The following is an entry in ClinVar:

ClinVar aggregate classification (germline): Pathogenic. Review status: criteria provided, multiple submitters, no conflicts (2 of 4 stars). 2 submissions from 2 submitters: Pathogenic (2). Last evaluated 2025-02-10.

Conditions:
Hereditary cancer-predisposing syndrome. Also called: Neoplastic Syndromes, Hereditary; Tumor predisposition; Hereditary Cancer Syndrome; Hereditary neoplastic syndrome. Identifiers: Orphanet 140162, MedGen C0027672, MeSH D009386, MONDO:0015356.
Familial cancer of breast. Also called: hereditary breast carcinoma; Hereditary breast cancer; BREAST CANCER, FAMILIAL. Identifiers: Orphanet 227535, MedGen C0346153, MONDO:0016419, OMIM 114480. Disease mechanism: loss of function.

Submissions (2):

Ambry Genetics
Classification: Pathogenic for Hereditary cancer-predisposing syndrome. Last evaluated: 2025-02-10. Review status: criteria provided, single submitter. Criteria: Ambry Variant Classification Scheme 2023. Collection method: clinical testing. Allele origin: germline.
Comment: The p.E1666* pathogenic mutation (also known as c.4996G>T), located in coding exon 32 of the ATM gene, results from a G to T substitution at nucleotide position 4996. This changes the amino acid from a glutamic acid to a stop codon within coding exon 32. This variant is considered to be rare based on population cohorts in the Genome Aggregation Database (gnomAD). This alteration is expected to result in loss of function by premature protein truncation or nonsense-mediated mRNA decay. As such, this alteration is interpreted as a disease-causing mutation.

Myriad Genetics, Inc.
Classification: Pathogenic for Familial cancer of breast. Last evaluated: 2024-08-07. Review status: criteria provided, single submitter. Criteria: Myriad Autosomal Dominant, Autosomal Recessive and X-Linked Classification Criteria (2023). Collection method: clinical testing. Allele origin: unknown.
Comment: This variant is considered pathogenic. This variant creates a termination codon and is predicted to result in premature protein truncation.

NM_000051.4(ATM):c.4996G>T (p.Glu1666Ter)

Gene: ATM (ATM serine/threonine kinase; plus strand). Cytogenetic location: 11q22.3.
Variant type: single nucleotide variant.
Coding change: c.4996G>T on transcript NM_000051.4 (MANE Select); coding-DNA position 4996, G replaced by T.
Protein change: p.Glu1666Ter; replaces glutamic acid 1666 with a stop codon.
Molecular consequence: nonsense.
Genome position (GRCh38, 1-based): chr11:108,297,373, G>T. VCF-style: chr11-108297373-G-T. GRCh37 (hg19) VCF-style: chr11-108168100-G-T.
Other names: c.4996G>T, p.Glu1666Ter (NM_001351834.2); short protein forms E1666*.
Identifiers: ClinVar variation 3378915 (VCV003378915.2).